The following is an entry in ClinVar:

ClinVar aggregate classification (germline): Uncertain significance. Review status: criteria provided, multiple submitters, no conflicts (2 of 4 stars). 3 submissions from 3 submitters: Uncertain significance (3). Last evaluated 2025-09-01.

Conditions:
Pulmonary fibrosis and/or bone marrow failure, Telomere-related, 3. Also called: PULMONARY FIBROSIS AND/OR BONE MARROW FAILURE SYNDROME, TELOMERE-RELATED, 3. Identifiers: Orphanet 2032, MedGen C4225346, MONDO:0014613, OMIM 616373.
Dyskeratosis congenita, autosomal recessive 5 (DKCB5). Identifiers: MedGen C3554656, MONDO:0014076, OMIM 615190.
Inborn genetic diseases. Identifiers: MedGen C0950123, MeSH D030342.

Submissions (3):

Ambry Genetics
Classification: Uncertain significance for Inborn genetic diseases. Last evaluated: 2025-09-01. Review status: criteria provided, single submitter. Criteria: Ambry Variant Classification Scheme 2023. Collection method: clinical testing. Allele origin: germline.
Comment: The p.A1067T variant (also known as c.3199G>A), located in coding exon 31 of the RTEL1 gene, results from a G to A substitution at nucleotide position 3199. The alanine at codon 1067 is replaced by threonine, an amino acid with similar properties. This amino acid position is conserved. In addition, this alteration is predicted to be tolerated by in silico analysis. Based on the available evidence, the clinical significance of this variant remains unclear.

Labcorp Genetics (formerly Invitae), Labcorp
Classification: Uncertain significance for Dyskeratosis congenita, autosomal recessive 5; Pulmonary fibrosis and/or bone marrow failure, Telomere-related, 3. Last evaluated: 2025-04-02. Review status: criteria provided, single submitter. Criteria: Invitae Variant Classification Sherloc (09022015). Collection method: clinical testing. Allele origin: germline.
Comment: This sequence change replaces alanine, which is neutral and non-polar, with threonine, which is neutral and polar, at codon 1067 of the RTEL1 protein (p.Ala1067Thr). This variant is not present in population databases (gnomAD no frequency). This variant has not been reported in the literature in individuals affected with RTEL1-related conditions. ClinVar contains an entry for this variant (Variation ID: 3239506). An algorithm developed to predict the effect of missense changes on protein structure and function (PolyPhen-2) suggests that this variant is likely to be tolerated. In summary, the available evidence is currently insufficient to determine the role of this variant in disease. Therefore, it has been classified as a Variant of Uncertain Significance.

CeGaT Center for Human Genetics Tuebingen
Classification: Uncertain significance. Last evaluated: 2024-05-01. Review status: criteria provided, single submitter. Criteria: CeGaT Center For Human Genetics Tuebingen Variant Classification Criteria Version 2. Collection method: clinical testing. Allele origin: germline. Affected: yes. Observed: 1 variant allele.
Comment: RTEL1: PM2, BP4

NM_001283009.2(RTEL1):c.3199G>A (p.Ala1067Thr)

Genes: RTEL1 (regulator of telomere elongation helicase 1; plus strand), RTEL1-TNFRSF6B (RTEL1-TNFRSF6B readthrough (NMD candidate); plus strand). Cytogenetic location: 20q13.33.
Variant type: single nucleotide variant.
Coding change: c.3199G>A on transcript NM_001283009.2 (MANE Select); coding-DNA position 3199, G replaced by A.
Protein change: p.Ala1067Thr; replaces alanine 1067 with threonine.
Molecular consequence: missense variant. On other transcripts: non-coding transcript variant (1).
Genome position (GRCh38, 1-based): chr20:63,694,830, G>A. VCF-style: chr20-63694830-G-A. GRCh37 (hg19) VCF-style: chr20-62326183-G-A.
Other names: c.2530G>A, p.Ala844Thr (NM_001283010.1); c.3199G>A, p.Ala1067Thr (NM_016434.4); c.3271G>A, p.Ala1091Thr (NM_032957.5); short protein forms A1067T, A1091T, A844T.
Identifiers: ClinVar variation 3239506 (VCV003239506.21), dbSNP rs2090929993.